The following is an entry in ClinVar:

NM_001031710.3(KLHL7):c.803G>A (p.Arg268Lys)

Gene: KLHL7 (kelch like family member 7; plus strand). Cytogenetic location: 7p15.3.
Variant type: single nucleotide variant.
Coding change: c.803G>A on transcript NM_001031710.3 (MANE Select); coding-DNA position 803, G replaced by A.
Protein change: p.Arg268Lys; replaces arginine 268 with lysine.
Molecular consequence: missense variant. On other transcripts: non-coding transcript variant (1).
Genome position (GRCh38, 1-based): chr7:23,152,076, G>A. VCF-style: chr7-23152076-G-A. GRCh37 (hg19) VCF-style: chr7-23191695-G-A.
Other names: c.659G>A, p.Arg220Lys (NM_018846.5); short protein forms R268K, R220K.
Identifiers: ClinVar variation 1492605 (VCV001492605.8), dbSNP rs2128466896, ClinGen allele CA366979527.

ClinVar aggregate classification (germline): Uncertain significance (1 of 4 stars; one submission).

gnomAD v4.1: 3 of 1,613,852 alleles (0.00019%); highest among the groups gnomAD compares: Non-Finnish European, 0.00025%; no homozygotes.

Submission:

Labcorp Genetics (formerly Invitae), Labcorp
Classification: Uncertain significance. Last evaluated: 2025-11-08. Review status: criteria provided, single submitter. Criteria: Invitae Variant Classification Sherloc (09022015). Collection method: clinical testing. Allele origin: germline.
Comment: This sequence change replaces arginine, which is basic and polar, with lysine, which is basic and polar, at codon 268 of the KLHL7 protein (p.Arg268Lys). This variant is not present in population databases (gnomAD no frequency). This variant has not been reported in the literature in individuals affected with KLHL7-related conditions. ClinVar contains an entry for this variant (Variation ID: 1492605). An algorithm developed to predict the effect of missense changes on protein structure and function (PolyPhen-2) suggests that this variant is likely to be tolerated. In summary, the available evidence is currently insufficient to determine the role of this variant in disease. Therefore, it has been classified as a Variant of Uncertain Significance.